The following is an entry in ClinVar:

NM_001365276.2(TNXB):c.2811C>A (p.Thr937=)

Gene: TNXB (tenascin XB; minus strand). Cytogenetic location: 6p21.33.
Variant type: single nucleotide variant.
Coding change: c.2811C>A on transcript NM_001365276.2 (MANE Select); coding-DNA position 2811, C replaced by A.
Protein change: p.Thr937=; no amino-acid change (threonine 937 retained).
Molecular consequence: synonymous variant.
Genome position (GRCh38, 1-based): chr6:32,086,087, G>T on the plus strand (C>A on the coding strand, the complement: TNXB is on the minus strand). VCF-style: chr6-32086087-G-T. GRCh37 (hg19) VCF-style: chr6-32053864-G-T.
Other names: p.Thr937=; c.2811C>A, p.Thr937= (NM_019105.8).
Identifiers: ClinVar variation 1176197 (VCV001176197.50), dbSNP rs140665128, ClinGen allele CA3735316.

ClinVar aggregate classification (germline): Conflicting classifications of pathogenicity. Review status: criteria provided, conflicting classifications (1 of 4 stars). 11 submissions from 11 submitters: Uncertain significance (1); Benign (1); Likely benign (8). 1 of the submissions does not count toward it. Last evaluated 2026-06-01.

Conditions:
TNXB-related disorder. Also called: TNXB-related condition.
Ehlers-Danlos syndrome due to tenascin-X deficiency (EDSCLL1). Also called: EHLERS-DANLOS SYNDROME, CLASSIC-LIKE; Ehlers-Danlos syndrome, classic-like, 1; EDS DUE TO TNX DEFICIENCY; TNX DEFICIENCY; TNXB-Related Classical-Like Ehlers-Danlos Syndrome. Identifiers: Orphanet 230839, MedGen C1848029, MONDO:0011670, OMIM 606408.
Vesicoureteral reflux 8 (VUR8). Identifiers: Orphanet 289365, MedGen C4014831, MONDO:0014422, OMIM 615963.
Cardiovascular phenotype. Identifiers: MedGen CN230736.
Ehlers-Danlos syndrome (EDS). Identifiers: Orphanet 98249, MedGen C0013720, MONDO:0020066.

Allele frequency attached by ClinVar (database versions not stated): 1000 Genomes Project 30x 0.00078; gnomAD exomes 0.00096; 1000 Genomes Project 0.00100; ESP Exome Variant Server 0.00122; gnomAD 0.00156 and 0.00166; TOPMed 0.00165; ExAC 0.00176.
gnomAD v4.1: 2,197 of 1,563,900 alleles (0.14%); highest among the groups gnomAD compares: African/African-American, 0.29%; 1 homozygote.

Submissions (11):

CeGaT Center for Human Genetics Tuebingen
Classification: Likely benign. Last evaluated: 2026-06-01. Review status: criteria provided, single submitter. Criteria: CeGaT Center For Human Genetics Tuebingen Variant Classification Criteria Version 2. Collection method: clinical testing. Allele origin: germline. Affected: yes. Observed: 10 variant alleles.
Comment: TNXB: BP4, BP7

Labcorp Genetics (formerly Invitae), Labcorp
Classification: Benign. Last evaluated: 2026-01-25. Review status: criteria provided, single submitter. Criteria: Invitae Variant Classification Sherloc (09022015). Collection method: clinical testing. Allele origin: germline.

Mayo Clinic Laboratories, Mayo Clinic
Classification: Likely benign. Last evaluated: 2025-02-17. Review status: criteria provided, single submitter. Criteria: ACMG Guidelines, 2015. Collection method: clinical testing. Allele origin: germline. Observed: 7 variant alleles.
Comment: BS1, BP4, BP7

Women's Health and Genetics/Laboratory Corporation of America, LabCorp
Classification: Likely benign. Last evaluated: 2024-11-25. Review status: criteria provided, single submitter. Criteria: LabCorp Variant Classification Summary - May 2015. Collection method: clinical testing. Allele origin: germline.

Blueprint Genetics
Classification: Likely benign. Last evaluated: 2024-11-22. Review status: criteria provided, single submitter. Criteria: ACMG Guidelines, 2015. Collection method: clinical testing. Allele origin: germline.

GeneDx
Classification: Likely benign. Last evaluated: 2021-06-26. Review status: criteria provided, single submitter. Criteria: GeneDx Variant Classification Process June 2021. Collection method: clinical testing. Allele origin: germline. Affected: yes.

Genome Diagnostics Laboratory, The Hospital for Sick Children
Classification: Uncertain significance for Ehlers-Danlos syndrome. Last evaluated: 2020-03-01. Review status: criteria provided, single submitter. Criteria: ACMG Guidelines, 2015. Collection method: clinical testing. Allele origin: germline.

Ambry Genetics
Classification: Likely benign for Cardiovascular phenotype. Last evaluated: 2019-03-27. Review status: criteria provided, single submitter. Criteria: Ambry Variant Classification Scheme 2023. Collection method: clinical testing. Allele origin: germline.

Breakthrough Genomics
Classification: Likely benign. Review status: criteria provided, single submitter. Criteria: ACMG Guidelines, 2015. Collection method: not provided. Allele origin: germline. Inheritance: Autosomal recessive inheritance. Affected: yes.

Center for Genomics, Ann and Robert H. Lurie Children's Hospital of Chicago
Classification: Likely benign for Ehlers-Danlos syndrome due to tenascin-X deficiency; Vesicoureteral reflux 8. Review status: criteria provided, single submitter. Criteria: ACMG Guidelines, 2015. Collection method: clinical testing. Allele origin: germline.
Comment: This variant has not been reported in the literature but is present in the Genome Aggregation Database (Highest MAF: 0.3% [53/18260]). This variant is also present in ClinVar, with multiple laboratories classifying it as likely benign (Variation ID: 1176197). Of note, this variant is a silent variant and does not change the amino acid, and this nucleotide is weakly conserved evolutionarily, reducing the probability that this variant is disease causing. However, splice prediction tools suggest that this variant may affect splicing, but further studies are needed to understand its impact. In summary, data on this variant suggests that this variant does not cause disease but requires further evidence. Therefore, this variant is classified as likely benign.

PreventionGenetics, part of Exact Sciences
Classification: Likely benign for TNXB-related condition. Last evaluated: 2023-12-01. Review status: no assertion criteria provided. Collection method: clinical testing. Allele origin: germline. Not counted in ClinVar's aggregate classification.
Comment: This variant is classified as likely benign based on ACMG/AMP sequence variant interpretation guidelines (Richards et al. 2015 PMID: 25741868, with internal and published modifications).